The following is an entry in ClinVar:

NM_000064.4(C3):c.4846C>T (p.Pro1616Ser)

Gene: C3 (complement C3; minus strand). Cytogenetic location: 19p13.3.
Variant type: single nucleotide variant.
Coding change: c.4846C>T on transcript NM_000064.4 (MANE Select); coding-DNA position 4846, C replaced by T.
Protein change: p.Pro1616Ser; replaces proline 1616 with serine.
Molecular consequence: missense variant.
Genome position (GRCh38, 1-based): chr19:6,678,156, G>A on the plus strand (C>T on the coding strand, the complement: C3 is on the minus strand). VCF-style: chr19-6678156-G-A. GRCh37 (hg19) VCF-style: chr19-6678167-G-A.
Other names: short protein forms P1616S.
Identifiers: ClinVar variation 3662451 (VCV003662451.2).

ClinVar aggregate classification (germline): Uncertain significance (1 of 4 stars; one submission).

Submission:

Labcorp Genetics (formerly Invitae), Labcorp
Classification: Uncertain significance. Last evaluated: 2024-10-31. Review status: criteria provided, single submitter. Criteria: Invitae Variant Classification Sherloc (09022015). Collection method: clinical testing. Allele origin: germline.
Comment: This sequence change replaces proline, which is neutral and non-polar, with serine, which is neutral and polar, at codon 1616 of the C3 protein (p.Pro1616Ser). This variant is not present in population databases (gnomAD no frequency). This variant has not been reported in the literature in individuals affected with C3-related conditions. Invitae Evidence Modeling of protein sequence and biophysical properties (such as structural, functional, and spatial information, amino acid conservation, physicochemical variation, residue mobility, and thermodynamic stability) indicates that this missense variant is not expected to disrupt C3 protein function with a negative predictive value of 80%. In summary, the available evidence is currently insufficient to determine the role of this variant in disease. Therefore, it has been classified as a Variant of Uncertain Significance.